The following is an entry in ClinVar:

NM_000548.5(TSC2):c.29G>T (p.Gly10Val)

Gene: TSC2 (TSC complex subunit 2; plus strand). Cytogenetic location: 16p13.3.
Variant type: single nucleotide variant.
Coding change: c.29G>T on transcript NM_000548.5 (MANE Select); coding-DNA position 29, G replaced by T.
Protein change: p.Gly10Val; replaces glycine 10 with valine.
Molecular consequence: missense variant. On other transcripts: 5 prime UTR variant (1), intron variant (1).
Genome position (GRCh38, 1-based): chr16:2,048,644, G>T. VCF-style: chr16-2048644-G-T. GRCh37 (hg19) VCF-style: chr16-2098645-G-T.
Other names: c.29G>T, p.Gly10Val (NM_001077183.3, NM_001114382.3, NM_001318827.2 and 4 more transcripts); c.-198G>T (NM_001318831.2); c.62G>T, p.Gly21Val (NM_001318832.2); c.-10+579G>T (NM_001318829.2); short protein forms G10V, G21V.
Identifiers: ClinVar variation 937943 (VCV000937943.9), dbSNP rs2084671697, ClinGen allele CA394300741.

ClinVar aggregate classification (germline): Uncertain significance (1 of 4 stars; one submission).

Conditions:
Tuberous sclerosis 2 (TSC2). Identifiers: Orphanet 805, MedGen C1860707, MONDO:0013199, OMIM 613254.

Allele frequency attached by ClinVar (database versions not stated): TOPMed below 0.00001.

Submission:

Labcorp Genetics (formerly Invitae), Labcorp
Classification: Uncertain significance for Tuberous sclerosis 2. Last evaluated: 2022-03-05. Review status: criteria provided, single submitter. Criteria: Invitae Variant Classification Sherloc (09022015). Collection method: clinical testing. Allele origin: germline.
Comment: This sequence change replaces glycine, which is neutral and non-polar, with valine, which is neutral and non-polar, at codon 10 of the TSC2 protein (p.Gly10Val). This variant is not present in population databases (gnomAD no frequency). This variant has not been reported in the literature in individuals affected with TSC2-related conditions. ClinVar contains an entry for this variant (Variation ID: 937943). Advanced modeling of protein sequence and biophysical properties (such as structural, functional, and spatial information, amino acid conservation, physicochemical variation, residue mobility, and thermodynamic stability) performed at Invitae indicates that this missense variant is not expected to disrupt TSC2 protein function. In summary, the available evidence is currently insufficient to determine the role of this variant in disease. Therefore, it has been classified as a Variant of Uncertain Significance.